The following is an entry in ClinVar:

ClinVar aggregate classification (germline): Uncertain significance (1 of 4 stars; one submission).

Allele frequency attached by ClinVar (database versions not stated): ExAC 0.00001; gnomAD 0.00001; TOPMed 0.00001.
gnomAD v4.1: 15 of 1,614,052 alleles (0.00093%); highest among the groups gnomAD compares: South Asian, 0.0033%; no homozygotes.

Submission:

Labcorp Genetics (formerly Invitae), Labcorp
Classification: Uncertain significance. Last evaluated: 2022-09-22. Review status: criteria provided, single submitter. Criteria: Invitae Variant Classification Sherloc (09022015). Collection method: clinical testing. Allele origin: germline.
Comment: In summary, the available evidence is currently insufficient to determine the role of this variant in disease. Therefore, it has been classified as a Variant of Uncertain Significance. Algorithms developed to predict the effect of missense changes on protein structure and function (SIFT, PolyPhen-2, Align-GVGD) all suggest that this variant is likely to be disruptive. This missense change has been observed in individual(s) with autosomal recessive hepatoerythropoietic porphyria (PMID: 12699245). This variant is present in population databases (rs763913128, gnomAD 0.003%). This sequence change replaces arginine, which is basic and polar, with cysteine, which is neutral and slightly polar, at codon 120 of the UROD protein (p.Arg120Cys).

Literature cited by the submitters: PubMed 12699245.

NM_000374.5(UROD):c.358C>T (p.Arg120Cys)

Gene: UROD (uroporphyrinogen decarboxylase; plus strand). Cytogenetic location: 1p34.1.
Variant type: single nucleotide variant.
Coding change: c.358C>T on transcript NM_000374.5 (MANE Select); coding-DNA position 358, C replaced by T.
Protein change: p.Arg120Cys; replaces arginine 120 with cysteine.
Molecular consequence: missense variant. On other transcripts: non-coding transcript variant (3).
Genome position (GRCh38, 1-based): chr1:45,013,675, C>T. VCF-style: chr1-45013675-C-T. GRCh37 (hg19) VCF-style: chr1-45479347-C-T.
Other names: short protein forms R120C.
Identifiers: ClinVar variation 2202752 (VCV002202752.4), dbSNP rs763913128, ClinGen allele CA825224.